The following is an entry in ClinVar:

ClinVar aggregate classification (germline): Conflicting classifications of pathogenicity. Review status: criteria provided, conflicting classifications (1 of 4 stars). 4 submissions from 4 submitters: Uncertain significance (3); Likely benign (1). Last evaluated 2025-09-15.

Conditions:
Hereditary cancer-predisposing syndrome. Also called: Hereditary neoplastic syndrome; Neoplastic Syndromes, Hereditary; Hereditary Cancer Syndrome; Tumor predisposition. Identifiers: Orphanet 140162, MedGen C0027672, MeSH D009386, MONDO:0015356.
Familial cancer of breast. Also called: Hereditary breast cancer; BREAST CANCER, FAMILIAL; hereditary breast carcinoma. Identifiers: Orphanet 227535, MedGen C0346153, MONDO:0016419, OMIM 114480. Disease mechanism: loss of function.

Allele frequency attached by ClinVar (database versions not stated): TOPMed 0.00001.
gnomAD v4.1: 1 of 1,614,112 alleles (0.000062%); highest among the groups gnomAD compares: African/African-American, 0.0013%; no homozygotes.

Submissions (4):

Labcorp Genetics (formerly Invitae), Labcorp
Classification: Uncertain significance for Familial cancer of breast. Last evaluated: 2025-09-15. Review status: criteria provided, single submitter. Criteria: Invitae Variant Classification Sherloc (09022015). Collection method: clinical testing. Allele origin: germline.
Comment: This sequence change replaces histidine, which is basic and polar, with arginine, which is basic and polar, at codon 693 of the PALB2 protein (p.His693Arg). This variant is not present in population databases (gnomAD no frequency). This variant has not been reported in the literature in individuals affected with PALB2-related conditions. ClinVar contains an entry for this variant (Variation ID: 128126). Invitae Evidence Modeling of protein sequence and biophysical properties (such as structural, functional, and spatial information, amino acid conservation, physicochemical variation, residue mobility, and thermodynamic stability) indicates that this missense variant is not expected to disrupt PALB2 protein function with a negative predictive value of 80%. In summary, the available evidence is currently insufficient to determine the role of this variant in disease. Therefore, it has been classified as a Variant of Uncertain Significance.

Color Diagnostics, LLC DBA Color Health
Classification: Uncertain significance for Hereditary cancer-predisposing syndrome. Last evaluated: 2024-08-14. Review status: criteria provided, single submitter. Criteria: ACMG Guidelines, 2015. Collection method: clinical testing. Allele origin: germline.
Comment: This missense variant replaces histidine with arginine at codon 693 of the PALB2 protein. Computational prediction suggests that this variant may not impact protein structure and function. To our knowledge, functional studies have not been reported for this variant. This variant has been detected in 1 individual older than age 70 years who has never had cancer (FLOSSIES database). This variant has not been identified in the general population by the Genome Aggregation Database (gnomAD). The available evidence is insufficient to determine the role of this variant in disease conclusively. Therefore, this variant is classified as a Variant of Uncertain Significance.

Ambry Genetics
Classification: Likely benign for Hereditary cancer-predisposing syndrome. Last evaluated: 2024-03-27. Review status: criteria provided, single submitter. Criteria: Ambry Variant Classification Scheme 2023. Collection method: clinical testing. Allele origin: germline.

GeneDx
Classification: Uncertain significance. Last evaluated: 2019-09-24. Review status: criteria provided, single submitter. Criteria: GeneDx Variant Classification Process June 2021. Collection method: clinical testing. Allele origin: germline. Affected: yes.
Comment: Not observed in large population cohorts (Lek 2016); In silico analysis, which includes protein predictors and evolutionary conservation, supports that this variant does not alter protein structure/function; Has not been previously published as pathogenic or benign to our knowledge

NM_024675.4(PALB2):c.2078A>G (p.His693Arg)

Gene: PALB2 (partner and localizer of BRCA2; minus strand). Cytogenetic location: 16p12.2.
Variant type: single nucleotide variant.
Coding change: c.2078A>G on transcript NM_024675.4 (MANE Select); coding-DNA position 2078, A replaced by G.
Protein change: p.His693Arg; replaces histidine 693 with arginine.
Molecular consequence: missense variant.
Genome position (GRCh38, 1-based): chr16:23,630,076, T>C on the plus strand (A>G on the coding strand, the complement: PALB2 is on the minus strand). VCF-style: chr16-23630076-T-C. GRCh37 (hg19) VCF-style: chr16-23641397-T-C.
Other names: p.H693R:CAT>CGT; short protein forms H693R.
Identifiers: ClinVar variation 128126 (VCV000128126.20), dbSNP rs587780208, ClinGen allele CA288425.